The following is an entry in ClinVar:

NM_000238.4(KCNH2):c.2257G>T (p.Ala753Ser)

Gene: KCNH2 (potassium voltage-gated channel subfamily H member 2; minus strand). Cytogenetic location: 7q36.1.
Variant type: single nucleotide variant.
Coding change: c.2257G>T on transcript NM_000238.4 (MANE Select); coding-DNA position 2257, G replaced by T.
Protein change: p.Ala753Ser; replaces alanine 753 with serine.
Molecular consequence: missense variant.
Genome position (GRCh38, 1-based): chr7:150,950,309, C>A on the plus strand (G>T on the coding strand, the complement: KCNH2 is on the minus strand). VCF-style: chr7-150950309-C-A. GRCh37 (hg19) VCF-style: chr7-150647397-C-A.
Other names: c.2257G>T (LRG_288t1); c.1237G>T, p.Ala413Ser (NM_001204798.2, NM_172057.3); c.1969G>T, p.Ala657Ser (NM_001406753.1, NM_001406756.1); c.2080G>T, p.Ala694Ser (NM_001406755.1); c.1957G>T, p.Ala653Ser (NM_001406757.1); c.2257G>T, p.Ala753Ser (NM_172056.3); short protein forms A413S, A753S, A657S, A653S, A694S.
Identifiers: ClinVar variation 67380 (VCV000067380.11), dbSNP rs199472991, ClinGen allele CA006394.

ClinVar aggregate classification (germline): Uncertain significance. Review status: criteria provided, multiple submitters, no conflicts (2 of 4 stars). 4 submissions from 4 submitters: Uncertain significance (3). 1 of the submissions does not count toward it. Last evaluated 2025-07-09.

Conditions:
Cardiac arrhythmia. Also called: Arrhythmia; Cardiac rhythm disease. Identifiers: MedGen C0003811, MONDO:0007263, HP:0011675.
Familial long QT syndrome (RWS). Also called: Congenital long QT syndrome; Romano-Ward syndrome; VENTRICULAR FIBRILLATION WITH PROLONGED QT INTERVAL. Identifiers: Orphanet 768, MedGen C1141890, MONDO:0019171.
Long QT syndrome (LQTS). Identifiers: MedGen C0023976, MeSH D008133, MONDO:0002442. Disease mechanism: loss of function. Inheritance: Various modes of inheritance.

Allele frequency attached by ClinVar (database versions not stated): gnomAD exomes below 0.00001; gnomAD 0.00001; TOPMed 0.00001.
gnomAD v4.1: 4 of 1,613,678 alleles (0.00025%); highest among the groups gnomAD compares: Non-Finnish European, 0.00025%; no homozygotes.

Submissions (4):

Color Diagnostics, LLC DBA Color Health
Classification: Uncertain significance for Cardiac arrhythmia. Last evaluated: 2025-07-09. Review status: criteria provided, single submitter. Criteria: ACMG Guidelines, 2015. Collection method: clinical testing. Allele origin: germline.
Comment: This missense variant replaces alanine with serine at codon 753 of the KCNH2 protein. This variant is located within the conserved cyclic nucleotide binding (aa 742-842) of the KCNH2 protein. Rare non-truncating variants in this region have been shown to be significantly overrepresented in individuals with long QT syndrome (PMID: 32893267). Computational prediction suggests that this variant may have a deleterious impact on protein structure and function. To our knowledge, functional studies have not been performed for this variant. This variant has been reported in individuals suspected to be affected with long QT syndrome (PMID: 16244680, 18752142, 30369311). This variant has been identified in 1/250576 chromosomes in the general population by the Genome Aggregation Database (gnomAD). The available evidence is insufficient to determine the role of this variant in disease conclusively. Therefore, this variant is classified as a Variant of Uncertain Significance.

Labcorp Genetics (formerly Invitae), Labcorp
Classification: Uncertain significance for Long QT syndrome. Last evaluated: 2024-08-14. Review status: criteria provided, single submitter. Criteria: Invitae Variant Classification Sherloc (09022015). Collection method: clinical testing. Allele origin: germline.
Comment: This sequence change replaces alanine, which is neutral and non-polar, with serine, which is neutral and polar, at codon 753 of the KCNH2 protein (p.Ala753Ser). This variant is present in population databases (rs199472991, gnomAD 0.0009%). This missense change has been observed in individual(s) with long QT syndrome (PMID: 16244680, 30369311). ClinVar contains an entry for this variant (Variation ID: 67380). An algorithm developed to predict the effect of missense changes on protein structure and function (PolyPhen-2) suggests that this variant is likely to be disruptive. In summary, the available evidence is currently insufficient to determine the role of this variant in disease. Therefore, it has been classified as a Variant of Uncertain Significance.

All of Us Research Program, National Institutes of Health
Classification: Uncertain significance for Long QT syndrome. Last evaluated: 2023-08-15. Review status: criteria provided, single submitter. Criteria: ACMG Guidelines, 2015. Collection method: clinical testing. Allele origin: germline. Inheritance: Autosomal dominant inheritance. Observed: 1 variant allele, 1 heterozygote.
Comment: This missense variant replaces alanine with serine at codon 753 of the KCNH2 protein. Computational prediction suggests that this variant may have deleterious impact on protein structure and function (internally defined REVEL score threshold >= 0.7, PMID: 27666373). Splice site prediction tools suggest that this variant may not impact RNA splicing. To our knowledge, functional studies have not been performed for this variant. This variant has been reported in individuals referred for long QT syndrome genetic test (PMID: 16244680, 18752142) and in an individual with QT prolongation (PMID: 30369311). This variant has been identified in 1/250576 chromosomes in the general population by the Genome Aggregation Database (gnomAD). The available evidence is insufficient to determine the role of this variant in disease conclusively. Therefore, this variant is classified as a Variant of Uncertain Significance.

This study involves interpretation of variants in research participants for the purpose of population health screening. Participant phenotype was not available at the time of variant classification. Additional details can be found in publication PMID: 35346344, PMCID: PMC8962531

Cardiovascular Biomedical Research Unit, Royal Brompton & Harefield NHS Foundation Trust
No classification provided. Condition: Familial long QT syndrome. Review status: no classification provided. Collection method: literature only. Allele origin: germline. Not counted in ClinVar's aggregate classification.
Comment: This variant has been reported as associated with Long QT syndrome in the following publications (PMID:16244680;PMID:18752142). This is a literature report, and does not necessarily reflect the clinical interpretation of the Imperial College / Royal Brompton Cardiovascular Genetics laboratory.

Literature cited by the submitters: PubMed 16244680 (cited by 4 submitters); PubMed 18752142 (cited by 3 submitters); PubMed 30369311 (cited by 3 submitters); PubMed 32893267 (cited by Color Diagnostics, LLC DBA Color Health); PubMed 22581653 (cited by Cardiovascular Biomedical Research Unit, Royal Brompton & Harefield NHS Foundation Trust).